The following is an entry in ClinVar:

NM_002471.4(MYH6):c.1246C>A (p.Gln416Lys)

Gene: MYH6 (myosin heavy chain 6; minus strand). Cytogenetic location: 14q11.2.
Variant type: single nucleotide variant.
Coding change: c.1246C>A on transcript NM_002471.4 (MANE Select); coding-DNA position 1246, C replaced by A.
Protein change: p.Gln416Lys; replaces glutamine 416 with lysine.
Molecular consequence: missense variant.
Genome position (GRCh38, 1-based): chr14:23,400,873, G>T on the plus strand (C>A on the coding strand, the complement: MYH6 is on the minus strand). VCF-style: chr14-23400873-G-T. GRCh37 (hg19) VCF-style: chr14-23870082-G-T.
Other names: short protein forms Q416K.
Identifiers: ClinVar variation 4532647 (VCV004532647.1).

ClinVar aggregate classification (germline): Uncertain significance (1 of 4 stars; one submission).

Submission:

GeneDx
Classification: Uncertain significance. Last evaluated: 2025-05-28. Review status: criteria provided, single submitter. Criteria: GeneDx Variant Classification Process June 2021. Collection method: clinical testing. Allele origin: germline. Affected: yes.
Comment: Not observed at significant frequency in large population cohorts (gnomAD); In silico analysis supports that this missense variant has a deleterious effect on protein structure/function; Has not been previously published as pathogenic or benign to our knowledge